The following is an entry in ClinVar:

NM_001457.4(FLNB):c.7488G>A (p.Ser2496=)

Genes: FLNB (filamin B; plus strand), FLNB-AS1 (FLNB antisense RNA 1; minus strand). Cytogenetic location: 3p14.3.
Variant type: single nucleotide variant.
Coding change: c.7488G>A on transcript NM_001457.4 (MANE Select); coding-DNA position 7488, G replaced by A.
Protein change: p.Ser2496=; no amino-acid change (serine 2496 retained).
Molecular consequence: synonymous variant.
Genome position (GRCh38, 1-based): chr3:58,169,660, G>A. VCF-style: chr3-58169660-G-A. GRCh37 (hg19) VCF-style: chr3-58155387-G-A.
Other names: c.7488G>A (NM_001457.3); c.7581G>A, p.Ser2527= (NM_001164317.2); c.7455G>A, p.Ser2485= (NM_001164318.2); c.7416G>A, p.Ser2472= (NM_001164319.2).
Identifiers: ClinVar variation 2202982 (VCV002202982.5), dbSNP rs539241620, ClinGen allele CA2469703.

ClinVar aggregate classification (germline): Benign/Likely benign. Review status: criteria provided, multiple submitters, no conflicts (2 of 4 stars). 2 submissions from 2 submitters: Benign (1); Likely benign (1). Last evaluated 2025-10-23.

Conditions:
FLNB-related disorder. Also called: FLNB-related condition; FLNB-related disorders. Identifiers: MedGen CN381095.

Allele frequency attached by ClinVar (database versions not stated): TOPMed 0.00002; gnomAD 0.00003; gnomAD exomes 0.00009; 1000 Genomes Project 30x 0.00016; 1000 Genomes Project 0.00020.
gnomAD v4.1: 134 of 1,613,928 alleles (0.0083%); highest among the groups gnomAD compares: South Asian, 0.1%; 1 homozygote.

Submissions (2):

Labcorp Genetics (formerly Invitae), Labcorp
Classification: Benign. Last evaluated: 2025-10-23. Review status: criteria provided, single submitter. Criteria: Invitae Variant Classification Sherloc (09022015). Collection method: clinical testing. Allele origin: germline.

PreventionGenetics, part of Exact Sciences
Classification: Likely benign for FLNB-related condition. Last evaluated: 2024-10-02. Review status: criteria provided, single submitter. Criteria: ACMG Guidelines, 2015. Collection method: clinical testing. Allele origin: germline.
Comment: This variant is classified as likely benign based on ACMG/AMP sequence variant interpretation guidelines (Richards et al. 2015 PMID: 25741868, with internal and published modifications).